The following is an entry in ClinVar:

NM_031483.7(ITCH):c.2505C>T (p.Asp835=)

Gene: ITCH (itchy E3 ubiquitin protein ligase; plus strand). Cytogenetic location: 20q11.22.
Variant type: single nucleotide variant.
Coding change: c.2505C>T on transcript NM_031483.7 (MANE Select); coding-DNA position 2505, C replaced by T.
Protein change: p.Asp835=; no amino-acid change (aspartic acid 835 retained).
Molecular consequence: synonymous variant.
Genome position (GRCh38, 1-based): chr20:34,507,710, C>T. VCF-style: chr20-34507710-C-T. GRCh37 (hg19) VCF-style: chr20-33095515-C-T.
Other names: c.2628C>T, p.Asp876= (NM_001257137.3, NM_001324197.2); c.2175C>T, p.Asp725= (NM_001257138.3); c.2505C>T, p.Asp835= (NM_001324198.2).
Identifiers: ClinVar variation 753654 (VCV000753654.32), dbSNP rs140201242, ClinGen allele CA9821990.
Genomic context (GRCh38, chr20:34,507,710, plus strand): 5'-TCTTTGCATATTTCCTTTTCTCAAACTAACAATTCTTGCTTTTAGTTTTAATCGCCTGGA[C>T]CTGCCACCATACAAGAGCTATGAGCAACTGAAGGAAAAGCTGTTGTTTGCCATAGAAGAA-3'
Protein context (NP_113671.3, residues 825-845): PRSHTCFNRL[Asp835=]LPPYKSYEQL

ClinVar aggregate classification (germline): Likely benign. Review status: criteria provided, multiple submitters, no conflicts (2 of 4 stars). 2 submissions from 2 submitters: Likely benign (2). Last evaluated 2025-11-11.

Conditions:
Syndromic multisystem autoimmune disease due to ITCH deficiency. Also called: AUTOIMMUNE DISEASE, MULTISYSTEM, WITH FACIAL DYSMORPHISM. Identifiers: Orphanet 228426, MedGen C3150649, MONDO:0013245, OMIM 613385.

Allele frequency attached by ClinVar (database versions not stated): gnomAD exomes 0.00002 and 0.00004; ExAC 0.00003; gnomAD 0.00004; TOPMed 0.00006; ESP Exome Variant Server 0.00008.
gnomAD v4.1: 37 of 1,613,658 alleles (0.0023%); highest among the groups gnomAD compares: Middle Eastern, 0.033%; no homozygotes.

Submissions (2):

Labcorp Genetics (formerly Invitae), Labcorp
Classification: Likely benign for Syndromic multisystem autoimmune disease due to ITCH deficiency. Last evaluated: 2025-11-11. Review status: criteria provided, single submitter. Criteria: Invitae Variant Classification Sherloc (09022015). Collection method: clinical testing. Allele origin: germline.

CeGaT Center for Human Genetics Tuebingen
Classification: Likely benign. Last evaluated: 2023-12-01. Review status: criteria provided, single submitter. Criteria: CeGaT Center For Human Genetics Tuebingen Variant Classification Criteria Version 2. Collection method: clinical testing. Allele origin: germline. Affected: yes. Observed: 1 variant allele.
Comment: ITCH: BP4, BP7